The following is an entry in ClinVar:

ClinVar aggregate classification (germline): Uncertain significance (1 of 4 stars; one submission).

Allele frequency attached by ClinVar (database versions not stated): gnomAD 0.00001; ExAC 0.00002; TOPMed 0.00002.
gnomAD v4.1: 9 of 1,613,938 alleles (0.00056%); highest among the groups gnomAD compares: East Asian, 0.0089%; no homozygotes.

Submission:

Labcorp Genetics (formerly Invitae), Labcorp
Classification: Uncertain significance. Last evaluated: 2022-07-27. Review status: criteria provided, single submitter. Criteria: Invitae Variant Classification Sherloc (09022015). Collection method: clinical testing. Allele origin: germline.
Comment: This sequence change replaces arginine, which is basic and polar, with tryptophan, which is neutral and slightly polar, at codon 117 of the HMOX1 protein (p.Arg117Trp). This variant is present in population databases (rs748685977, gnomAD 0.02%). This variant has not been reported in the literature in individuals affected with HMOX1-related conditions. Algorithms developed to predict the effect of missense changes on protein structure and function (SIFT, PolyPhen-2, Align-GVGD) all suggest that this variant is likely to be disruptive. In summary, the available evidence is currently insufficient to determine the role of this variant in disease. Therefore, it has been classified as a Variant of Uncertain Significance.

NM_002133.3(HMOX1):c.349C>T (p.Arg117Trp)

Gene: HMOX1 (heme oxygenase 1; plus strand). Cytogenetic location: 22q12.3.
Variant type: single nucleotide variant.
Coding change: c.349C>T on transcript NM_002133.3 (MANE Select); coding-DNA position 349, C replaced by T.
Protein change: p.Arg117Trp; replaces arginine 117 with tryptophan.
Molecular consequence: missense variant.
Genome position (GRCh38, 1-based): chr22:35,386,889, C>T. VCF-style: chr22-35386889-C-T. GRCh37 (hg19) VCF-style: chr22-35782882-C-T.
Other names: short protein forms R117W.
Identifiers: ClinVar variation 2419704 (VCV002419704.3), dbSNP rs748685977, ClinGen allele CA10204701.